The following is an entry in ClinVar:

ClinVar aggregate classification (germline): Likely benign (1 of 4 stars; one submission).

gnomAD v4.1: 93 of 1,613,890 alleles (0.0058%); highest among the groups gnomAD compares: Admixed American, 0.15%; no homozygotes.

Submission:

CeGaT Center for Human Genetics Tuebingen
Classification: Likely benign. Last evaluated: 2026-09-01. Review status: criteria provided, single submitter. Criteria: CeGaT Center For Human Genetics Tuebingen Variant Classification Criteria Version 2. Collection method: clinical testing. Allele origin: germline. Affected: yes. Observed: 2 variant alleles.
Comment: SPTBN1: BP4, BP7, BS1

NM_003128.3(SPTBN1):c.1689G>A (p.Val563=)

Gene: SPTBN1 (spectrin beta, non-erythrocytic 1; plus strand). Cytogenetic location: 2p16.2.
Variant type: single nucleotide variant.
Coding change: c.1689G>A on transcript NM_003128.3 (MANE Select); coding-DNA position 1689, G replaced by A.
Protein change: p.Val563=; no amino-acid change (valine 563 retained).
Molecular consequence: synonymous variant.
Genome position (GRCh38, 1-based): chr2:54,628,141, G>A. VCF-style: chr2-54628141-G-A. GRCh37 (hg19) VCF-style: chr2-54855278-G-A.
Other names: c.1650G>A, p.Val550= (NM_178313.3).
Identifiers: ClinVar variation 4875235 (VCV004875235.2).